The following is an entry in ClinVar:

ClinVar aggregate classification (germline): Uncertain significance. Review status: criteria provided, multiple submitters, no conflicts (2 of 4 stars). 2 submissions from 2 submitters: Uncertain significance (2). Last evaluated 2024-11-24.

Conditions:
Inborn genetic diseases. Identifiers: MedGen C0950123, MeSH D030342.

Allele frequency attached by ClinVar (database versions not stated): 1000 Genomes Project 30x 0.00031; 1000 Genomes Project 0.00040.
gnomAD v4.1: 6 of 1,614,076 alleles (0.00037%); highest among the groups gnomAD compares: African/African-American, 0.008%; no homozygotes.

Submissions (2):

Ambry Genetics
Classification: Uncertain significance for Inborn genetic diseases. Last evaluated: 2024-11-24. Review status: criteria provided, single submitter. Criteria: Ambry Variant Classification Scheme 2023. Collection method: clinical testing. Allele origin: germline.
Comment: The p.R174G variant (also known as c.520C>G), located in coding exon 1 of the SAMD9 gene, results from a C to G substitution at nucleotide position 520. The arginine at codon 174 is replaced by glycine, an amino acid with dissimilar properties. This amino acid position is conserved. In addition, this alteration is predicted to be tolerated by in silico analysis. Based on the available evidence, the clinical significance of this variant remains unclear.

Labcorp Genetics (formerly Invitae), Labcorp
Classification: Uncertain significance. Last evaluated: 2024-01-04. Review status: criteria provided, single submitter. Criteria: Invitae Variant Classification Sherloc (09022015). Collection method: clinical testing. Allele origin: germline.
Comment: This sequence change replaces arginine, which is basic and polar, with glycine, which is neutral and non-polar, at codon 174 of the SAMD9 protein (p.Arg174Gly). This variant is present in population databases (rs373775990, gnomAD 0.02%). This variant has not been reported in the literature in individuals affected with SAMD9-related conditions. ClinVar contains an entry for this variant (Variation ID: 1494289). Advanced modeling of protein sequence and biophysical properties (such as structural, functional, and spatial information, amino acid conservation, physicochemical variation, residue mobility, and thermodynamic stability) performed at Invitae indicates that this missense variant is not expected to disrupt SAMD9 protein function with a negative predictive value of 95%. In summary, the available evidence is currently insufficient to determine the role of this variant in disease. Therefore, it has been classified as a Variant of Uncertain Significance.

NM_017654.4(SAMD9):c.520C>G (p.Arg174Gly)

Gene: SAMD9 (sterile alpha motif domain containing 9; minus strand). Cytogenetic location: 7q21.2.
Variant type: single nucleotide variant.
Coding change: c.520C>G on transcript NM_017654.4 (MANE Select); coding-DNA position 520, C replaced by G.
Protein change: p.Arg174Gly; replaces arginine 174 with glycine.
Molecular consequence: missense variant.
Genome position (GRCh38, 1-based): chr7:93,105,578, G>C on the plus strand (C>G on the coding strand, the complement: SAMD9 is on the minus strand). VCF-style: chr7-93105578-G-C. GRCh37 (hg19) VCF-style: chr7-92734891-G-C.
Other names: c.520C>G, p.Arg174Gly (NM_001193307.2); c.520C>G (NM_017654.3); short protein forms R174G.
Identifiers: ClinVar variation 1494289 (VCV001494289.9), dbSNP rs373775990, ClinGen allele CA4343128.